The following is an entry in ClinVar:

NM_033305.3(VPS13A):c.5418delinsAA (p.Met1806fs)

Gene: VPS13A (vacuolar protein sorting 13 homolog A; plus strand). Cytogenetic location: 9q21.2.
Variant type: Indel.
Coding change: c.5418delinsAA on transcript NM_033305.3 (MANE Select); coding-DNA position 5418, G replaced by AA.
Protein change: p.Met1806fs; shifts the reading frame from methionine 1806.
Molecular consequence: frameshift variant.
Genome position (GRCh38, 1-based): chr9:77,321,171, G replaced by AA. VCF-style: chr9-77321171-G-AA. GRCh37 (hg19) VCF-style: chr9-79936087-G-AA.
Other names: c.5301delinsAA, p.Met1767fs (NM_001018037.2); c.5418delinsAA, p.Met1806fs (NM_001018038.3, NM_015186.4); short protein forms M1767fs, M1806fs.
Identifiers: ClinVar variation 5013480 (VCV005013480.1).

ClinVar aggregate classification (germline): Pathogenic (1 of 4 stars; one submission).

Conditions:
VPS13A-related neurodegenerative disease. Also called: ACANTHOCYTOSIS WITH NEUROLOGIC DISORDER; LEVINE-CRITCHLEY SYNDROME; Choreoacanthocytosis; Chorea-acanthocytosis; Choreaacanthocytosis; VPS13A Disease. Identifiers: Orphanet 2388, MedGen C0393576, MONDO:0008695, OMIM 200150.

Submission:

Myriad Genetics, Inc.
Classification: Pathogenic for VPS13A-related neurodegenerative disease. Last evaluated: 2024-08-21. Review status: criteria provided, single submitter. Criteria: Myriad Autosomal Dominant, Autosomal Recessive and X-Linked Classification Criteria (2023). Collection method: clinical testing. Allele origin: unknown.
Comment: NM_033305.2(VPS13A):c.5418delGinsAA(M1806Ifs*11) is expected to be pathogenic in the context of VPS13A disease. This variant is predicted to lead to an abnormal or absent protein product due to the creation of a premature termination codon in VPS13A, a gene where loss-of-function variants are known to be pathogenic. Please note: this variant was assessed in the context of healthy population screening.